The following is an entry in ClinVar:

NM_000719.7(CACNA1C):c.6068G>A (p.Gly2023Glu)

Genes: CACNA1C (calcium voltage-gated channel subunit alpha1 C; plus strand), CACNA1C-AS1 (CACNA1C antisense RNA 1; minus strand). Cytogenetic location: 12p13.33.
Variant type: single nucleotide variant.
Coding change: c.6068G>A on transcript NM_000719.7 (MANE Select); coding-DNA position 6068, G replaced by A.
Protein change: p.Gly2023Glu; replaces glycine 2023 with glutamic acid.
Molecular consequence: missense variant.
Genome position (GRCh38, 1-based): chr12:2,688,730, G>A. VCF-style: chr12-2688730-G-A. GRCh37 (hg19) VCF-style: chr12-2797896-G-A.
Other names: c.6212G>A, p.Gly2071Glu (NM_001129827.2); c.6191G>A, p.Gly2064Glu (NM_001129829.2); c.6173G>A, p.Gly2058Glu (NM_001129830.3, NM_001167624.3); c.6152G>A, p.Gly2051Glu (NM_001129831.2); c.6128G>A, p.Gly2043Glu (NM_001129832.2); c.6125G>A, p.Gly2042Glu (NM_001129833.2, NM_001129834.2, NM_001129835.2); c.6119G>A, p.Gly2040Glu (NM_001129836.2); c.6092G>A, p.Gly2031Glu (NM_001129837.2, NM_001129838.2); and 6 more; short protein forms G2023E, G2058E, G2071E, G2020E, G2040E, G2064E, G2083E, G2106E.
Identifiers: ClinVar variation 588030 (VCV000588030.11), dbSNP rs377312264, ClinGen allele CA231618057.

ClinVar aggregate classification (germline): Uncertain significance. Review status: criteria provided, multiple submitters, no conflicts (2 of 4 stars). 2 submissions from 2 submitters: Uncertain significance (2). Last evaluated 2025-12-16.

Conditions:
Cardiovascular phenotype. Identifiers: MedGen CN230736.
Long QT syndrome (LQTS). Identifiers: MedGen C0023976, MeSH D008133, MONDO:0002442. Disease mechanism: loss of function. Inheritance: Various modes of inheritance.

Allele frequency attached by ClinVar (database versions not stated): TOPMed below 0.00001; ESP Exome Variant Server 0.00008.

Submissions (2):

Ambry Genetics
Classification: Uncertain significance for Cardiovascular phenotype. Last evaluated: 2025-12-16. Review status: criteria provided, single submitter. Criteria: Ambry Variant Classification Scheme 2023. Collection method: clinical testing. Allele origin: germline.
Comment: The p.G2023E variant (also known as c.6068G>A), located in coding exon 46 of the CACNA1C gene, results from a G to A substitution at nucleotide position 6068. The glycine at codon 2023 is replaced by glutamic acid, an amino acid with similar properties. This amino acid position is not well conserved in available vertebrate species. In addition, this alteration is predicted to be tolerated by in silico analysis. Based on the available evidence, the clinical significance of this variant remains unclear.

Labcorp Genetics (formerly Invitae), Labcorp
Classification: Uncertain significance for Long QT syndrome. Last evaluated: 2025-12-15. Review status: criteria provided, single submitter. Criteria: Invitae Variant Classification Sherloc (09022015). Collection method: clinical testing. Allele origin: germline.
Comment: This sequence change replaces glycine, which is neutral and non-polar, with glutamic acid, which is acidic and polar, at codon 2023 of the CACNA1C protein (p.Gly2023Glu). This variant is not present in population databases (gnomAD no frequency). This variant has not been reported in the literature in individuals affected with CACNA1C-related conditions. ClinVar contains an entry for this variant (Variation ID: 588030). Invitae Evidence Modeling of protein sequence and biophysical properties (such as structural, functional, and spatial information, amino acid conservation, physicochemical variation, residue mobility, and thermodynamic stability) indicates that this missense variant is not expected to disrupt CACNA1C protein function with a negative predictive value of 95%. In summary, the available evidence is currently insufficient to determine the role of this variant in disease. Therefore, it has been classified as a Variant of Uncertain Significance.